The following is an entry in ClinVar:

NM_000518.5(HBB):c.316-85A>G

Genes: HBB (hemoglobin subunit beta; minus strand), LOC110006319 (beta-globin gene 3' regulatory region; plus strand), LOC107133510 (origin of replication at HBB; plus strand). Cytogenetic location: 11p15.4.
Variant type: single nucleotide variant.
Coding change: c.316-85A>G on transcript NM_000518.5 (MANE Select); 85 bases into the intron before coding-DNA position 316, A replaced by G.
Molecular consequence: intron variant.
Genome position (GRCh38, 1-based): chr11:5,225,811, T>C on the plus strand (A>G on the coding strand, the complement: HBB is on the minus strand). VCF-style: chr11-5225811-T-C. GRCh37 (hg19) VCF-style: chr11-5247041-T-C.
Identifiers: ClinVar variation 984465 (VCV000984465.10), dbSNP rs1847534399, ClinGen allele CA1139661790.

ClinVar aggregate classification (germline): Conflicting classifications of pathogenicity. Review status: criteria provided, conflicting classifications (1 of 4 stars). 3 submissions from 3 submitters: Uncertain significance (1); Likely benign (2). Last evaluated 2024-12-12.

Allele frequency attached by ClinVar (database versions not stated): gnomAD exomes below 0.00001.
gnomAD v4.1: 8 of 1,429,810 alleles (0.00056%); highest among the groups gnomAD compares: Admixed American, 0.0017%; no homozygotes.

Submissions (3):

Women's Health and Genetics/Laboratory Corporation of America, LabCorp
Classification: Likely benign. Last evaluated: 2024-12-12. Review status: criteria provided, single submitter. Criteria: LabCorp Variant Classification Summary - May 2015. Collection method: clinical testing. Allele origin: germline.

Quest Diagnostics Nichols Institute San Juan Capistrano
Classification: Uncertain significance. Last evaluated: 2023-08-21. Review status: criteria provided, single submitter. Criteria: Quest Diagnostics criteria. Collection method: clinical testing. Allele origin: unknown.
Comment: The HBB c.316-85A>G variant, to the best of our knowledge, has not been reported in the published literature. It also has not been reported in large, multi-ethnic general populations (Genome Aggregation Database). Analysis of this variant using software algorithms for the prediction of the effect of nucleotide changes on splicing yielded predictions that this variant does not affect HBB mRNA splicing . Based on the available information, we are unable to determine the clinical significance of this variant.

Labcorp Genetics (formerly Invitae), Labcorp
Classification: Likely benign. Last evaluated: 2023-03-16. Review status: criteria provided, single submitter. Criteria: Invitae Variant Classification Sherloc (09022015). Collection method: clinical testing. Allele origin: germline.